The following is an entry in ClinVar:

ClinVar aggregate classification (germline): Likely pathogenic (0 of 4 stars; one submission).

Conditions:
Pyruvate dehydrogenase E1-alpha deficiency (PDHAD). Also called: ATAXIA, INTERMITTENT, WITH PYRUVATE DEHYDROGENASE DEFICIENCY; ATAXIA WITH LACTIC ACIDOSIS I; ATAXIA, INTERMITTENT, WITH ABNORMAL PYRUVATE METABOLISM; Ataxia, intermittent, with pyruvate dehydrogenase, or decarboxylase, deficiency. Identifiers: Orphanet 79243, MedGen C1839413, MONDO:0010717, OMIM 312170.

Submission:

PDHA1 Study Group, University Children’s Hospital, Paracelsus Medical University
Classification: Likely pathogenic for Pyruvate dehydrogenase E1-alpha deficiency. Last evaluated: 2024-10-15. Review status: no assertion criteria provided. Collection method: research. Allele origin: de novo. Affected: yes. Observed: 1 variant allele.
Comment: The NM_000284.3:c.899+3_988del (p.?) variant affects splicing in PDHA1 gene. Among them, 1 case had confirmed de novo occurrence. Last literature search: July 12, 2024. This variant is absent or extremely rare in population-based cohorts in the Genome Aggregation Database (gnomAD). Individuals harboring this variant presented with clinical features compatible with PDHA1-related PDHc deficiency. In summary, this variant meets criteria to be classified as likely pathogenic (LP) for PDHA1-related PDHc deficiency based on the ACMG/AMP criteria applied: PS2, PM2, PP3 (last assessment October 15, 2024).

Literature cited by the submitters: DOI 10.1093/brain/awaf430.

NM_000284.4(PDHA1):c.899+3_988del

Gene: PDHA1 (pyruvate dehydrogenase E1 subunit alpha 1; plus strand). Cytogenetic location: Xp22.12.
Variant type: Deletion.
Coding change: c.899+3_988del on transcript NM_000284.4 (MANE Select); 3 bases into the intron after coding-DNA position 899 through coding-DNA position 988, 1,283 bases deleted.
Molecular consequence: splice acceptor variant.
Genome position (GRCh38, 1-based): chrX:19,357,722-19,359,004, 1,283 bases deleted. GRCh37 (hg19): chrX:19,375,840-19,377,122.
Other names: c.1013+3_1102del (NM_001173454.2); c.920+3_1009del (NM_001173455.2); c.806+3_895del (NM_001173456.2).
Identifiers: ClinVar variation 4070386 (VCV004070386.1).